The following is an entry in ClinVar:

ClinVar aggregate classification (germline): Benign/Likely benign. Review status: criteria provided, multiple submitters, no conflicts (2 of 4 stars). 2 submissions from 2 submitters: Benign (1); Likely benign (1). Last evaluated 2024-08-22.

Conditions:
Fanconi anemia complementation group J. Also called: BRIP1-Related Fanconi Anemia. Identifiers: Orphanet 84, MedGen C1836860, MONDO:0012187, OMIM 609054.
Familial cancer of breast. Also called: BREAST CANCER, FAMILIAL; Hereditary breast cancer; hereditary breast carcinoma. Identifiers: Orphanet 227535, MedGen C0346153, MONDO:0016419, OMIM 114480. Disease mechanism: loss of function.

Allele frequency attached by ClinVar (database versions not stated): TOPMed below 0.00001.

Submissions (2):

Myriad Genetics, Inc.
Classification: Benign for Familial cancer of breast. Last evaluated: 2024-08-22. Review status: criteria provided, single submitter. Criteria: Myriad Autosomal Dominant, Autosomal Recessive and X-Linked Classification Criteria (2023). Collection method: clinical testing. Allele origin: unknown.
Comment: This variant is considered benign. This variant is a silent/synonymous amino acid change and it is not expected to impact splicing.

Labcorp Genetics (formerly Invitae), Labcorp
Classification: Likely benign for Familial cancer of breast; Fanconi anemia complementation group J. Last evaluated: 2023-01-20. Review status: criteria provided, single submitter. Criteria: Invitae Variant Classification Sherloc (09022015). Collection method: clinical testing. Allele origin: germline.

NM_032043.3(BRIP1):c.807A>G (p.Ser269=)

Gene: BRIP1 (BRCA1 interacting DNA helicase 1; minus strand). Cytogenetic location: 17q23.2.
Variant type: single nucleotide variant.
Coding change: c.807A>G on transcript NM_032043.3 (MANE Select); coding-DNA position 807, A replaced by G.
Protein change: p.Ser269=; no amino-acid change (serine 269 retained).
Molecular consequence: synonymous variant.
Genome position (GRCh38, 1-based): chr17:61,808,578, T>C on the plus strand (A>G on the coding strand, the complement: BRIP1 is on the minus strand). VCF-style: chr17-61808578-T-C. GRCh37 (hg19) VCF-style: chr17-59885939-T-C.
Identifiers: ClinVar variation 2937559 (VCV002937559.4), dbSNP rs2078110203, ClinGen allele CA501335443.
Genomic context (GRCh38, chr17:61,808,578, plus strand): 5'-GACTACCTCAGGATGGACACAAGTATGATCCCTGCTGGAAAGAATAGTCATTGGAACCCC[T>C]GAATATGCCGTCCTCCGGAGCTCTCTAGTAATCTGAGCAATCTGCTTGTGTGTGCGTGTC-3'
Protein context (NP_114432.2, residues 259-279): ITRELRRTAY[Ser269=]GVPMTILSSR